The following is an entry in ClinVar:

NM_015027.4(PDXDC1):c.1746C>T (p.Asn582=)

Gene: PDXDC1 (pyridoxal dependent decarboxylase domain containing 1). Cytogenetic location: 16p13.11.
Variant type: single nucleotide variant.
Coding change: c.1746C>T on transcript NM_015027.4 (MANE Select); coding-DNA position 1746, C replaced by T.
Protein change: p.Asn582=; no amino-acid change (asparagine 582 retained).
Molecular consequence: synonymous variant. On other transcripts: intron variant (3).
Genome position (GRCh38, 1-based): chr16:15,033,333, C>T. VCF-style: chr16-15033333-C-T. GRCh37 (hg19) VCF-style: chr16-15127190-C-T.
Other names: c.1665C>T, p.Asn555= (NM_001285444.2); c.1662C>T, p.Asn554= (NM_001285445.2); c.1701C>T, p.Asn567= (NM_001285447.1); c.1473C>T, p.Asn491= (NM_001285448.1); c.1743C>T, p.Asn581= (NM_001324019.2); c.1399+3277C>T (NM_001285449.2); c.1318+3277C>T (NM_001324021.2); c.1396+3277C>T (NM_001324020.2).
Identifiers: ClinVar variation 3057757 (VCV003057757.2), dbSNP rs761085473, ClinGen allele CA7915464.

ClinVar aggregate classification (germline): Likely benign (0 of 4 stars; one submission).

Conditions:
PDXDC1-related disorder. Also called: PDXDC1-related condition.

Allele frequency attached by ClinVar (database versions not stated): gnomAD 0.00011; TOPMed 0.00014; ExAC 0.00028.
gnomAD v4.1: 102 of 1,614,180 alleles (0.0063%); highest among the groups gnomAD compares: East Asian, 0.17%; no homozygotes.

Submission:

PreventionGenetics, part of Exact Sciences
Classification: Likely benign for PDXDC1-related condition. Last evaluated: 2019-02-20. Review status: no assertion criteria provided. Collection method: clinical testing. Allele origin: germline.
Comment: This variant is classified as likely benign based on ACMG/AMP sequence variant interpretation guidelines (Richards et al. 2015 PMID: 25741868, with internal and published modifications).